The following is an entry in ClinVar:

NM_080680.3(COL11A2):c.5131C>T (p.Leu1711=)

Gene: COL11A2 (collagen type XI alpha 2 chain; minus strand). Cytogenetic location: 6p21.32.
Variant type: single nucleotide variant.
Coding change: c.5131C>T on transcript NM_080680.3 (MANE Select); coding-DNA position 5131, C replaced by T.
Protein change: p.Leu1711=; no amino-acid change (leucine 1711 retained).
Molecular consequence: synonymous variant.
Genome position (GRCh38, 1-based): chr6:33,163,758, G>A on the plus strand (C>T on the coding strand, the complement: COL11A2 is on the minus strand). VCF-style: chr6-33163758-G-A. GRCh37 (hg19) VCF-style: chr6-33131535-G-A.
Other names: c.4951C>T, p.Leu1651= (NM_001424108.1); c.4285C>T, p.Leu1429= (NM_001424109.1); c.4105C>T, p.Leu1369= (NM_001424110.1, NM_001424111.1); c.3085C>T, p.Leu1029= (NM_001424112.1); c.4810C>T, p.Leu1604= (NM_080679.3); c.4873C>T, p.Leu1625= (NM_080681.3).
Identifiers: ClinVar variation 3031757 (VCV003031757.2), dbSNP rs906097225, ClinGen allele CA137061128.

ClinVar aggregate classification (germline): Likely benign (0 of 4 stars; one submission).

Conditions:
COL11A2-related disorder. Also called: COL11A2-related condition; COL11A2-related disorders.

Allele frequency attached by ClinVar (database versions not stated): gnomAD exomes below 0.00001.
gnomAD v4.1: 2 of 1,613,074 alleles (0.00012%); highest among the groups gnomAD compares: Non-Finnish European, 0.00017%; no homozygotes.

Submission:

PreventionGenetics, part of Exact Sciences
Classification: Likely benign for COL11A2-related condition. Last evaluated: 2020-08-18. Review status: no assertion criteria provided. Collection method: clinical testing. Allele origin: germline.
Comment: This variant is classified as likely benign based on ACMG/AMP sequence variant interpretation guidelines (Richards et al. 2015 PMID: 25741868, with internal and published modifications).